The following is an entry in ClinVar:

ClinVar aggregate classification (germline): Uncertain significance (1 of 4 stars; one submission).

Conditions:
Inborn genetic diseases. Identifiers: MedGen C0950123, MeSH D030342.

Submission:

Ambry Genetics
Classification: Uncertain significance for Inborn genetic diseases. Last evaluated: 2024-07-25. Review status: criteria provided, single submitter. Criteria: Ambry Variant Classification Scheme 2023. Collection method: clinical testing. Allele origin: germline.
Comment: The c.244C>T (p.H82Y) alteration is located in exon 5 (coding exon 2) of the PLAG1 gene. This alteration results from a C to T substitution at nucleotide position 244, causing the histidine (H) at amino acid position 82 to be replaced by a tyrosine (Y). This variant was not reported in population-based cohorts in the Genome Aggregation Database (gnomAD). This amino acid position is highly conserved in available vertebrate species. Based on insufficient or conflicting evidence, the clinical significance of this alteration remains unclear.

NM_002655.3(PLAG1):c.244C>T (p.His82Tyr)

Genes: PLAG1 (PLAG1 zinc finger; minus strand), LOC126860395 (BRD4-independent group 4 enhancer GRCh37_chr8:57079228-57080427; plus strand). Cytogenetic location: 8q12.1.
Variant type: single nucleotide variant.
Coding change: c.244C>T on transcript NM_002655.3 (MANE Select); coding-DNA position 244, C replaced by T.
Protein change: p.His82Tyr; replaces histidine 82 with tyrosine.
Molecular consequence: missense variant. On other transcripts: 5 prime UTR variant (1).
Genome position (GRCh38, 1-based): chr8:56,167,502, G>A on the plus strand (C>T on the coding strand, the complement: PLAG1 is on the minus strand). VCF-style: chr8-56167502-G-A. GRCh37 (hg19) VCF-style: chr8-57080061-G-A.
Other names: c.244C>T, p.His82Tyr (NM_001114634.2); c.-3C>T (NM_001114635.2); short protein forms H82Y.
Identifiers: ClinVar variation 3307261 (VCV003307261.2).
Genomic context (GRCh38, chr8:56,167,502, plus strand): 5'-GAAACATTTTCTCACAATAATTACACTTGTGGGTTTTCTCAGGAGAATGAGTAGCCATGT[G>A]CCTTTAAACACAGATATAATCTATAAGTAGTTATTATGACAAAAATGGCATGTATTCACT-3'
Protein context (NP_002646.2, residues 72-92): AFVSKYKLQR[His82Tyr]MATHSPEKTH